The following is an entry in ClinVar:

NM_004415.4(DSP):c.162C>G (p.Asp54Glu)

Genes: DSP (desmoplakin; plus strand), DSP-AS1 (DSP antisense RNA 1; minus strand). Cytogenetic location: 6p24.3.
Variant type: single nucleotide variant.
Coding change: c.162C>G on transcript NM_004415.4 (MANE Select); coding-DNA position 162, C replaced by G.
Protein change: p.Asp54Glu; replaces aspartic acid 54 with glutamic acid.
Molecular consequence: missense variant.
Genome position (GRCh38, 1-based): chr6:7,542,077, C>G. VCF-style: chr6-7542077-C-G. GRCh37 (hg19) VCF-style: chr6-7542310-C-G.
Other names: c.162C>G, p.Asp54Glu (NM_001008844.3, NM_001319034.2, NM_001406591.1); short protein forms D54E.
Identifiers: ClinVar variation 2927561 (VCV002927561.4), dbSNP rs1057113375, ClinGen allele CA362676032.

ClinVar aggregate classification (germline): Uncertain significance. Review status: criteria provided, multiple submitters, no conflicts (2 of 4 stars). 2 submissions from 2 submitters: Uncertain significance (2). Last evaluated 2023-10-02.

Conditions:
Arrhythmogenic right ventricular dysplasia 8 (ARVD8). Also called: Arrhythmogenic Right Ventricular Dysplasia/Cardiomyopathy 8; ARRHYTHMOGENIC RIGHT VENTRICULAR DYSPLASIA, FAMILIAL, 8; ARRHYTHMOGENIC RIGHT VENTRICULAR CARDIOMYOPATHY 8. Identifiers: MedGen C1843896, MONDO:0011831, OMIM 607450.
Arrhythmogenic cardiomyopathy with wooly hair and keratoderma. Also called: PALMOPLANTAR KERATODERMA WITH LEFT VENTRICULAR CARDIOMYOPATHY AND WOOLLY HAIR; Carvajal syndrome; Arrhythmogenic cardiomyopathy with woolly hair and keratoderma; Dilated cardiomyopathy with woolly hair and keratoderma. Identifiers: Orphanet 65282, MedGen C1854063, MONDO:0011581, OMIM 605676.

Submissions (2):

All of Us Research Program, National Institutes of Health
Classification: Uncertain significance for Arrhythmogenic cardiomyopathy with wooly hair and keratoderma. Last evaluated: 2023-10-02. Review status: criteria provided, single submitter. Criteria: ACMG Guidelines, 2015. Collection method: clinical testing. Allele origin: germline. Inheritance: Autosomal dominant inheritance. Observed: 1 variant allele, 1 heterozygote.
Comment: This missense variant replaces aspartic acid with glutamic acid at codon 54 of the DSP protein. Computational prediction suggests that this variant may not impact protein structure and function (internally defined REVEL score threshold <= 0.5, PMID: 27666373). To our knowledge, functional studies have not been reported for this variant. This variant has not been reported in individuals affected with DSP-related disorders in the literature. This variant has not been identified in the general population by the Genome Aggregation Database (gnomAD). The available evidence is insufficient to determine the role of this variant in disease conclusively. Therefore, this variant is classified as a Variant of Uncertain Significance.

This study involves interpretation of variants in research participants for the purpose of population health screening. Participant phenotype was not available at the time of variant classification. Additional details can be found in publication PMID: 35346344, PMCID: PMC8962531

Labcorp Genetics (formerly Invitae), Labcorp
Classification: Uncertain significance for Arrhythmogenic cardiomyopathy with wooly hair and keratoderma; Arrhythmogenic right ventricular dysplasia 8. Last evaluated: 2022-11-17. Review status: criteria provided, single submitter. Criteria: Invitae Variant Classification Sherloc (09022015). Collection method: clinical testing. Allele origin: germline.
Comment: This sequence change replaces aspartic acid, which is acidic and polar, with glutamic acid, which is acidic and polar, at codon 54 of the DSP protein (p.Asp54Glu). In summary, the available evidence is currently insufficient to determine the role of this variant in disease. Therefore, it has been classified as a Variant of Uncertain Significance. Algorithms developed to predict the effect of missense changes on protein structure and function are either unavailable or do not agree on the potential impact of this missense change (SIFT: "Deleterious"; PolyPhen-2: "Benign"; Align-GVGD: "Class C0"). This variant has not been reported in the literature in individuals affected with DSP-related conditions. This variant is not present in population databases (gnomAD no frequency).